The following is an entry in ClinVar:

ClinVar aggregate classification (germline): Uncertain significance (1 of 4 stars; one submission).

Conditions:
Cardiovascular phenotype. Identifiers: MedGen CN230736.

Submission:

Ambry Genetics
Classification: Uncertain significance for Cardiovascular phenotype. Last evaluated: 2021-03-19. Review status: criteria provided, single submitter. Criteria: Ambry Variant Classification Scheme 2023. Collection method: clinical testing. Allele origin: germline.
Comment: The p.N1833K variant (also known as c.5499C>A), located in coding exon 35 of the MYH7 gene, results from a C to A substitution at nucleotide position 5499. The asparagine at codon 1833 is replaced by lysine, an amino acid with similar properties. This amino acid position is not well conserved in available vertebrate species. In addition, this alteration is predicted to be tolerated by in silico analysis. Since supporting evidence is limited at this time, the clinical significance of this alteration remains unclear.

NM_000257.4(MYH7):c.5499C>A (p.Asn1833Lys)

Gene: MYH7 (myosin heavy chain 7; minus strand). Cytogenetic location: 14q11.2.
Variant type: single nucleotide variant.
Coding change: c.5499C>A on transcript NM_000257.4 (MANE Select); coding-DNA position 5499, C replaced by A.
Protein change: p.Asn1833Lys; replaces asparagine 1833 with lysine.
Molecular consequence: missense variant.
Genome position (GRCh38, 1-based): chr14:23,415,055, G>T on the plus strand (C>A on the coding strand, the complement: MYH7 is on the minus strand). VCF-style: chr14-23415055-G-T. GRCh37 (hg19) VCF-style: chr14-23884264-G-T.
Other names: c.5499C>A, p.Asn1833Lys (NM_001407004.1); short protein forms N1833K.
Identifiers: ClinVar variation 1747889 (VCV001747889.2), dbSNP rs3729831, ClinGen allele CA389035120.
Genomic context (GRCh38, chr14:23,415,055, plus strand): 5'-CTGGTAGGTGAGCTCCTTGATGCGCCGCTCGCTCTTCCTCATGCCCTTCACCGACTCTGC[G>T]TTGCGCTTCTGCTCGGCCTCCAGCTCATTCTCCAGCTCCCGCACCCGCGCTTCCAGCTTC-3'
Protein context (NP_000248.2, residues 1823-1843): ENELEAEQKR[Asn1833Lys]AESVKGMRKS